The following is an entry in ClinVar:

NM_002485.5(NBN):c.581_584+10del

Gene: NBN (nibrin; minus strand). Cytogenetic location: 8q21.3.
Variant type: Deletion.
Coding change: c.581_584+10del on transcript NM_002485.5 (MANE Select); coding-DNA position 581 through 10 bases into the intron after coding-DNA position 584, 14 bases deleted (AAAGGTATATTATG).
Molecular consequence: splice donor variant.
Genome position (GRCh38, 1-based): chr8:89,978,210-89,978,223, CATAATATACCTTT deleted on the plus strand (AAAGGTATATTATG on the coding strand, the reverse complement: NBN is on the minus strand); deleting any 14 consecutive bases within chr8:89,978,210-89,978,225 gives the same sequence; the c. name uses the placement nearest the transcript's 3' end. VCF-style (leftmost placement, unchanged base first): chr8-89978209-ACATAATATACCTTT-A. GRCh37 (hg19) VCF-style: chr8-90990437-ACATAATATACCTTT-A.
Other names: c.335_338+10del (NM_001024688.3, NM_001440379.1, NM_001440380.1).
Identifiers: ClinVar variation 5004058 (VCV005004058.1).

ClinVar aggregate classification (germline): Likely pathogenic (1 of 4 stars; one submission).

Conditions:
Microcephaly, normal intelligence and immunodeficiency (NBS). Also called: SEEMANOVA SYNDROME II; Immunodeficiency, microcephaly with normal intelligence; Ataxia telangiectasia variant V1; IMMUNODEFICIENCY, MICROCEPHALY, AND CHROMOSOMAL INSTABILITY; Nijmegen breakage syndrome; Microcephaly with normal intelligence immunodeficiency and lymphoreticular malignancies. Identifiers: Orphanet 647, MedGen C0398791, MONDO:0009623, OMIM 251260.

Submission:

Myriad Genetics, Inc.
Classification: Likely pathogenic for Microcephaly, normal intelligence and immunodeficiency. Last evaluated: 2026-06-20. Review status: criteria provided, single submitter. Criteria: Myriad Autosomal Dominant, Autosomal Recessive and X-Linked Classification Criteria (2023). Collection method: clinical testing. Allele origin: unknown.
Comment: NM_002485.4(NBN):c.581_584+10del14 is a variant in a canonical splice site classified as likely pathogenic in the context of Nijmegen breakage syndrome. c.581_584+10del14 has not been observed in cases with relevant disease. Relevant functional assessments of this variant are not available in the literature. c.581_584+10del14 has not been observed in referenced population frequency databases. In summary, NM_002485.4(NBN):c.581_584+10del14 is a variant in a canonical splice site in a gene where loss of function is a known mechanism of disease and is predicted to disrupt protein function. Please note: this variant was assessed in the context of healthy population screening.